The following is an entry in ClinVar:

NM_199420.4(POLQ):c.6115G>A (p.Glu2039Lys)

Gene: POLQ (DNA polymerase theta; minus strand). Cytogenetic location: 3q13.33.
Variant type: single nucleotide variant.
Coding change: c.6115G>A on transcript NM_199420.4 (MANE Select); coding-DNA position 6115, G replaced by A.
Protein change: p.Glu2039Lys; replaces glutamic acid 2039 with lysine.
Molecular consequence: missense variant.
Genome position (GRCh38, 1-based): chr3:121,481,668, C>T on the plus strand (G>A on the coding strand, the complement: POLQ is on the minus strand). VCF-style: chr3-121481668-C-T. GRCh37 (hg19) VCF-style: chr3-121200515-C-T.
Other names: short protein forms E2039K.
Identifiers: ClinVar variation 1751696 (VCV001751696.2), dbSNP rs2546780348, ClinGen allele CA354087794.
Genomic context (GRCh38, chr3:121,481,668, plus strand): 5'-GATTCATAGAGTTGAAGATGAGAATGGACTCCACAGATGCTCTGTATCGCCCAGAATGCT[C>T]ACTGCCAGCATTTAGCCCCAGGCTTTGAATCCCTTGGCTGGTCTCCATCCCTTCTAGGAG-3'
Protein context (NP_955452.3, residues 2029-2049): IQSLGLNAGS[Glu2039Lys]HSGRYRASVE

ClinVar aggregate classification (germline): Uncertain significance (1 of 4 stars; one submission).

Submission:

Ambry Genetics
Classification: Uncertain significance. Last evaluated: 2021-11-10. Review status: criteria provided, single submitter. Criteria: Ambry Variant Classification Scheme 2023. Collection method: clinical testing. Allele origin: germline.
Comment: The p.E2039K variant (also known as c.6115G>A), located in coding exon 19 of the POLQ gene, results from a G to A substitution at nucleotide position 6115. The glutamic acid at codon 2039 is replaced by lysine, an amino acid with similar properties. This amino acid position is conserved. In addition, this alteration is predicted to be tolerated by in silico analysis. Since supporting evidence is limited at this time, the clinical significance of this alteration remains unclear.